The following is an entry in ClinVar:

ClinVar aggregate classification (germline): Likely pathogenic (3 of 4 stars; one submission).

Conditions:
Glanzmann thrombasthenia. Also called: PLATELET GLYCOPROTEIN IIb-IIIa DEFICIENCY; Glanzmann's thrombasthenia; BLEEDING DISORDER, PLATELET-TYPE, 2; THROMBASTHENIA OF GLANZMANN AND NAEGELI; Thrombasthenia. Identifiers: Orphanet 849, MedGen C0040015, MONDO:0100326.

Submission:

ClinGen Platelet Disorders Variant Curation Expert Panel, ClinGen
Classification: Likely pathogenic for Glanzmann thrombasthenia. Last evaluated: 2024-12-17. Review status: reviewed by expert panel. Criteria: ClinGen Platelet ACMG Specifications v2-1. Collection method: curation. Allele origin: germline. Inheritance: Autosomal recessive inheritance.
Comment: The NM_000419.5(ITGA2B):c.1259T>C (p.Val420Ala) missense variant has been reported in at least one patient (GT22 in PMID: 25728920) with this variant displayed mucocutaneous bleeding and impaired aggregation with all agonists except ristocetin, which is highly specific for Glanzmann thrombasthenia. Additionally, αIIbβ3 surface expression was reduced to <5%, as measured by flow cytometry (PP4_strong). This variant is absent from gnomAD v4.1 (PM2_Supporting). The computational predictor REVEL gives a score of 0.898, which is above the ClinGen PD VCEP threshold of >0.7 and predicts a damaging effect on function (PP3). In summary this variant meets criteria to be classified as Likely Pathogenic for autosomal recessive Glanzmann Thrombasthenia based on the ACMG/AMP criteria applied, as specified by the ClinGen PD VCEP: PP4_strong, PM2_supporting, PP3. (VCEP specifications version 2.1)

NM_000419.5(ITGA2B):c.1259T>C (p.Val420Ala)

Gene: ITGA2B (integrin subunit alpha 2b; minus strand). Cytogenetic location: 17q21.31.
Variant type: single nucleotide variant.
Coding change: c.1259T>C on transcript NM_000419.5 (MANE Select); coding-DNA position 1259, T replaced by C.
Protein change: p.Val420Ala; replaces valine 420 with alanine.
Molecular consequence: missense variant.
Genome position (GRCh38, 1-based): chr17:44,381,013, A>G on the plus strand (T>C on the coding strand, the complement: ITGA2B is on the minus strand). VCF-style: chr17-44381013-A-G. GRCh37 (hg19) VCF-style: chr17-42458381-A-G.
Other names: NM_000419.5:c.1259T>C; short protein forms V420A.
Identifiers: ClinVar variation 1691466 (VCV001691466.3), dbSNP rs2048592296, ClinGen allele CA399803733.